The following is an entry in ClinVar:

ClinVar aggregate classification (germline): Uncertain significance (1 of 4 stars; one submission).

Conditions:
Autosomal dominant polycystic kidney disease. Identifiers: Orphanet 730, MedGen C0085413, MONDO:0004691.

Allele frequency attached by ClinVar (database versions not stated): gnomAD exomes 0.00001.
gnomAD v4.1: 8 of 1,361,142 alleles (0.00059%); highest among the groups gnomAD compares: Non-Finnish European, 0.00075%; no homozygotes.

Submission:

Labcorp Genetics (formerly Invitae), Labcorp
Classification: Uncertain significance for Autosomal dominant polycystic kidney disease. Last evaluated: 2025-12-24. Review status: criteria provided, single submitter. Criteria: Invitae Variant Classification Sherloc (09022015). Collection method: clinical testing. Allele origin: germline.
Comment: This sequence change replaces arginine, which is basic and polar, with cysteine, which is neutral and slightly polar, at codon 155 of the PKD2 protein (p.Arg155Cys). This variant is not present in population databases (gnomAD no frequency). This variant has not been reported in the literature in individuals affected with PKD2-related conditions. ClinVar contains an entry for this variant (Variation ID: 2722248). An algorithm developed to predict the effect of missense changes on protein structure and function (PolyPhen-2) suggests that this variant is likely to be tolerated. In summary, the available evidence is currently insufficient to determine the role of this variant in disease. Therefore, it has been classified as a Variant of Uncertain Significance.

NM_000297.4(PKD2):c.463C>T (p.Arg155Cys)

Genes: PKD2 (polycystin 2, transient receptor potential cation channel; plus strand), LOC129992813 (ATAC-STARR-seq lymphoblastoid silent region 15559; plus strand). Cytogenetic location: 4q22.1.
Variant type: single nucleotide variant.
Coding change: c.463C>T on transcript NM_000297.4 (MANE Select); coding-DNA position 463, C replaced by T.
Protein change: p.Arg155Cys; replaces arginine 155 with cysteine.
Molecular consequence: missense variant. On other transcripts: non-coding transcript variant (1).
Genome position (GRCh38, 1-based): chr4:88,008,196, C>T. VCF-style: chr4-88008196-C-T. GRCh37 (hg19) VCF-style: chr4-88929348-C-T.
Other names: short protein forms R155C.
Identifiers: ClinVar variation 2722248 (VCV002722248.3), dbSNP rs968812042, ClinGen allele CA100873257.